The following is an entry in ClinVar:

ClinVar aggregate classification (germline): Likely benign. Review status: criteria provided, multiple submitters, no conflicts (2 of 4 stars). 2 submissions from 2 submitters: Likely benign (2). Last evaluated 2025-02-01.

Conditions:
Schuurs-Hoeijmakers syndrome. Also called: PACS1-Related Neurodevelopmental Disorder. Identifiers: Orphanet 329224, MedGen C3554343, MONDO:0014006, OMIM 615009.

Allele frequency attached by ClinVar (database versions not stated): gnomAD exomes 0.00001; ExAC 0.00003; gnomAD 0.00003; ESP Exome Variant Server 0.00008.
gnomAD v4.1: 17 of 1,614,110 alleles (0.0011%); highest among the groups gnomAD compares: African/African-American, 0.004%; no homozygotes.

Submissions (2):

CeGaT Center for Human Genetics Tuebingen
Classification: Likely benign. Last evaluated: 2025-02-01. Review status: criteria provided, single submitter. Criteria: CeGaT Center For Human Genetics Tuebingen Variant Classification Criteria Version 2. Collection method: clinical testing. Allele origin: germline. Affected: yes. Observed: 1 variant allele.
Comment: PACS1: BP4, BP7

Labcorp Genetics (formerly Invitae), Labcorp
Classification: Likely benign for Schuurs-Hoeijmakers syndrome. Last evaluated: 2023-06-23. Review status: criteria provided, single submitter. Criteria: Invitae Variant Classification Sherloc (09022015). Collection method: clinical testing. Allele origin: germline.

NM_018026.4(PACS1):c.2535G>A (p.Ser845=)

Gene: PACS1 (phosphofurin acidic cluster sorting protein 1; plus strand). Cytogenetic location: 11q13.2.
Variant type: single nucleotide variant.
Coding change: c.2535G>A on transcript NM_018026.4 (MANE Select); coding-DNA position 2535, G replaced by A.
Protein change: p.Ser845=; no amino-acid change (serine 845 retained).
Molecular consequence: synonymous variant.
Genome position (GRCh38, 1-based): chr11:66,241,532, G>A. VCF-style: chr11-66241532-G-A. GRCh37 (hg19) VCF-style: chr11-66009003-G-A.
Identifiers: ClinVar variation 2058849 (VCV002058849.17), dbSNP rs377707499, ClinGen allele CA6116901.